The following is an entry in ClinVar:

NM_000372.5(TYR):c.132T>A (p.Ser44Arg)

Gene: TYR (tyrosinase; plus strand). Cytogenetic location: 11q14.3.
Variant type: single nucleotide variant.
Coding change: c.132T>A on transcript NM_000372.5 (MANE Select); coding-DNA position 132, T replaced by A.
Protein change: p.Ser44Arg; replaces serine 44 with arginine.
Molecular consequence: missense variant.
Genome position (GRCh38, 1-based): chr11:89,178,085, T>A. VCF-style: chr11-89178085-T-A. GRCh37 (hg19) VCF-style: chr11-88911253-T-A.
Other names: short protein forms S44R.
Identifiers: ClinVar variation 1066111 (VCV001066111.9), dbSNP rs755700581, ClinGen allele CA6221050.

ClinVar aggregate classification (germline): Pathogenic/Likely pathogenic. Review status: criteria provided, multiple submitters, no conflicts (2 of 4 stars). 3 submissions from 3 submitters: Pathogenic (2); Likely pathogenic (1). Last evaluated 2026-04-20.

Conditions:
Oculocutaneous albinism type 1. Also called: Albinism 1; ALBINISM I. Identifiers: Orphanet 352731, MedGen C0268494, MONDO:0018135. Disease mechanism: loss of function.
Oculocutaneous albinism type 1A (OCA1A). Also called: Albinism, oculocutaneous, type IA. Identifiers: Orphanet 352731, Orphanet 79431, MedGen C4551504, MONDO:0008745, OMIM 203100. Disease mechanism: loss of function.

Allele frequency attached by ClinVar (database versions not stated): ExAC 0.00001; gnomAD exomes 0.00002.
gnomAD v4.1: 5 of 1,614,060 alleles (0.00031%); highest among the groups gnomAD compares: Admixed American, 0.0083%; no homozygotes.

Submissions (3):

Myriad Genetics, Inc.
Classification: Likely pathogenic for Oculocutaneous albinism type 1. Last evaluated: 2026-04-20. Review status: criteria provided, single submitter. Criteria: Myriad Autosomal Dominant, Autosomal Recessive and X-Linked Classification Criteria (2023). Collection method: clinical testing. Allele origin: unknown.
Comment: NM_000372.4(TYR):c.132T>A(S44R) is a missense variant classified as likely pathogenic in the context of oculocutaneous albinism, TYR-related. S44R has been observed in cases with relevant disease (PMID: 25703744, 37956964, Arshad_2018_(Article), 39143519). Relevant functional assessments of this variant are not available in the literature. S44R has been observed in referenced population frequency databases. In summary, NM_000372.4(TYR):c.132T>A(S44R) is a missense variant that has been observed more frequently in cases with the relevant disease than in healthy populations. Please note: this variant was assessed in the context of healthy population screening.

Labcorp Genetics (formerly Invitae), Labcorp
Classification: Pathogenic. Last evaluated: 2024-01-08. Review status: criteria provided, single submitter. Criteria: Invitae Variant Classification Sherloc (09022015). Collection method: clinical testing. Allele origin: germline.
Comment: This sequence change replaces serine, which is neutral and polar, with arginine, which is basic and polar, at codon 44 of the TYR protein (p.Ser44Arg). This variant is present in population databases (rs755700581, gnomAD 0.01%). This missense change has been observed in individuals with clinical features of ocular albinism (PMID: 15146472, 25703744; Invitae). It has also been observed to segregate with disease in related individuals. ClinVar contains an entry for this variant (Variation ID: 1066111). Advanced modeling of protein sequence and biophysical properties (such as structural, functional, and spatial information, amino acid conservation, physicochemical variation, residue mobility, and thermodynamic stability) performed at Invitae indicates that this missense variant is expected to disrupt TYR protein function with a positive predictive value of 80%. This variant disrupts the p.Ser44 amino acid residue in TYR. Other variant(s) that disrupt this residue have been observed in individuals with TYR-related conditions (PMID: 24461674), which suggests that this may be a clinically significant amino acid residue. For these reasons, this variant has been classified as Pathogenic.

3billion
Classification: Pathogenic for Oculocutaneous albinism type 1A. Last evaluated: 2022-01-03. Review status: criteria provided, single submitter. Criteria: ACMG Guidelines, 2015. Collection method: clinical testing. Allele origin: germline. Affected: yes. Observed: 1 homozygote.
Comment: The variant has been observed in multiple (>3) similarly affected unrelated individuals(PS4_S). The variant has been reported to be in trans with a pathogenic variant as either compound heterozygous or homozygous in at least one similarly affected unrelated individual (PMID: 25703744, 24461674, PM3_M). It is located in a well-established functional domain or exonic hotspot, where pathogenic variants have frequently reported (PM1_M). A different missense change at the same codon has been reported to be associated with TYR related disorder (PMID:15146472,24461674, PM5_P). In silico tool predictions suggest damaging effect of the variant on gene or gene product (REVEL: 0.84, PP3_P). A missense variant is a common mechanism associated with Albinism (PP2_P). It is observed at an extremely low frequency in the gnomAD v2.1.1 dataset (total allele frequency: 0.000020, PM2_M).Therefore, this variant is classified as pathogenic according to the recommendation of ACMG/AMP guideline.

Literature cited by the submitters: PubMed 15146472 (cited by Labcorp Genetics (formerly Invitae), Labcorp and 3billion); PubMed 25703744 (cited by Labcorp Genetics (formerly Invitae), Labcorp and 3billion); PubMed 24461674 (cited by Labcorp Genetics (formerly Invitae), Labcorp and 3billion).